The following is an entry in ClinVar:

NM_002951.5(RPN2):c.1685G>A (p.Arg562Gln)

Gene: RPN2 (ribophorin II; plus strand). Cytogenetic location: 20q11.23.
Variant type: single nucleotide variant.
Coding change: c.1685G>A on transcript NM_002951.5 (MANE Select); coding-DNA position 1685, G replaced by A.
Protein change: p.Arg562Gln; replaces arginine 562 with glutamine.
Molecular consequence: missense variant.
Genome position (GRCh38, 1-based): chr20:37,234,027, G>A. VCF-style: chr20-37234027-G-A. GRCh37 (hg19) VCF-style: chr20-35862430-G-A.
Other names: c.1589G>A, p.Arg530Gln (NM_001135771.3, NM_001324299.2, NM_001324302.2); c.1733G>A, p.Arg578Gln (NM_001324301.2, NM_001324305.2); c.1685G>A, p.Arg562Gln (NM_001324303.2, NM_001324304.2); c.1214G>A, p.Arg405Gln (NM_001324306.2); short protein forms R405Q, R562Q, R578Q, R530Q.
Identifiers: ClinVar variation 839868 (VCV000839868.8), dbSNP rs200070240, ClinGen allele CA9847289.

ClinVar aggregate classification (germline): Uncertain significance (1 of 4 stars; one submission).

Conditions:
Congenital disorder of glycosylation (CDG). Also called: Carbohydrate-deficient glycoprotein syndrome; Congenital disorders of glycosylation. Identifiers: Orphanet 137, MedGen C0282577, MONDO:0015286.

Allele frequency attached by ClinVar (database versions not stated): TOPMed 0.00006; gnomAD 0.00008; gnomAD exomes 0.00008; ExAC 0.00012; ESP Exome Variant Server 0.00015; 1000 Genomes Project 30x 0.00016; 1000 Genomes Project 0.00020.
gnomAD v4.1: 124 of 1,614,092 alleles (0.0077%); highest among the groups gnomAD compares: Middle Eastern, 0.016%; no homozygotes.

Submission:

Labcorp Genetics (formerly Invitae), Labcorp
Classification: Uncertain significance for Congenital disorder of glycosylation. Last evaluated: 2022-08-16. Review status: criteria provided, single submitter. Criteria: Invitae Variant Classification Sherloc (09022015). Collection method: clinical testing. Allele origin: germline.
Comment: Algorithms developed to predict the effect of missense changes on protein structure and function are either unavailable or do not agree on the potential impact of this missense change (SIFT: "Not Available"; PolyPhen-2: "Possibly Damaging"; Align-GVGD: "Not Available"). In summary, the available evidence is currently insufficient to determine the role of this variant in disease. Therefore, it has been classified as a Variant of Uncertain Significance. ClinVar contains an entry for this variant (Variation ID: 839868). This variant has not been reported in the literature in individuals affected with RPN2-related conditions. This variant is present in population databases (rs200070240, gnomAD 0.009%). This sequence change replaces arginine, which is basic and polar, with glutamine, which is neutral and polar, at codon 562 of the RPN2 protein (p.Arg562Gln).